The following is an entry in ClinVar:

NM_000264.5(PTCH1):c.1052C>T (p.Thr351Ile)

Gene: PTCH1 (patched 1; minus strand). Cytogenetic location: 9q22.32.
Variant type: single nucleotide variant.
Coding change: c.1052C>T on transcript NM_000264.5 (MANE Select); coding-DNA position 1052, C replaced by T.
Protein change: p.Thr351Ile; replaces threonine 351 with isoleucine.
Molecular consequence: missense variant. On other transcripts: non-coding transcript variant (1).
Genome position (GRCh38, 1-based): chr9:95,479,984, G>A on the plus strand (C>T on the coding strand, the complement: PTCH1 is on the minus strand). VCF-style: chr9-95479984-G-A. GRCh37 (hg19) VCF-style: chr9-98242266-G-A.
Other names: c.854C>T, p.Thr285Ile (NM_001083602.3); c.1049C>T, p.Thr350Ile (NM_001083603.3); c.599C>T, p.Thr200Ile (NM_001083604.3, NM_001083605.3, NM_001083606.3 and 1 more transcripts); c.1052C>T, p.Thr351Ile (NM_001354918.2); short protein forms T350I, T200I, T285I, T351I.
Identifiers: ClinVar variation 3635861 (VCV003635861.3).

ClinVar aggregate classification (germline): Uncertain significance. Review status: criteria provided, multiple submitters, no conflicts (2 of 4 stars). 2 submissions from 2 submitters: Uncertain significance (2). Last evaluated 2025-11-26.

Conditions:
Gorlin syndrome. Also called: Nevoid Basal Cell Carcinoma Syndrome; Basal cell nevus syndrome. Identifiers: Orphanet 377, MedGen C0004779, MONDO:0007187.
Hereditary cancer-predisposing syndrome. Also called: Hereditary Cancer Syndrome; Hereditary neoplastic syndrome; Neoplastic Syndromes, Hereditary; Tumor predisposition. Identifiers: Orphanet 140162, MedGen C0027672, MeSH D009386, MONDO:0015356.

Submissions (2):

Ambry Genetics
Classification: Uncertain significance for Hereditary cancer-predisposing syndrome. Last evaluated: 2025-11-26. Review status: criteria provided, single submitter. Criteria: Ambry Variant Classification Scheme 2023. Collection method: clinical testing. Allele origin: germline.
Comment: The p.T351I variant (also known as c.1052C>T), located in coding exon 7 of the PTCH1 gene, results from a C to T substitution at nucleotide position 1052. The threonine at codon 351 is replaced by isoleucine, an amino acid with similar properties. This amino acid position is conserved. In addition, the in silico prediction for this alteration is inconclusive. Based on the available evidence, the clinical significance of this variant remains unclear.

Labcorp Genetics (formerly Invitae), Labcorp
Classification: Uncertain significance for Gorlin syndrome. Last evaluated: 2024-10-20. Review status: criteria provided, single submitter. Criteria: Invitae Variant Classification Sherloc (09022015). Collection method: clinical testing. Allele origin: germline.
Comment: This sequence change replaces threonine, which is neutral and polar, with isoleucine, which is neutral and non-polar, at codon 351 of the PTCH1 protein (p.Thr351Ile). This variant is not present in population databases (gnomAD no frequency). This variant has not been reported in the literature in individuals affected with PTCH1-related conditions. Invitae Evidence Modeling of protein sequence and biophysical properties (such as structural, functional, and spatial information, amino acid conservation, physicochemical variation, residue mobility, and thermodynamic stability) indicates that this missense variant is not expected to disrupt PTCH1 protein function with a negative predictive value of 95%. In summary, the available evidence is currently insufficient to determine the role of this variant in disease. Therefore, it has been classified as a Variant of Uncertain Significance.